The following is an entry in ClinVar:

ClinVar aggregate classification (germline): Likely benign. Review status: criteria provided, multiple submitters, no conflicts (2 of 4 stars). 2 submissions from 2 submitters: Likely benign (2). Last evaluated 2025-07-16.

Conditions:
Arrhythmogenic right ventricular cardiomyopathy (ARVD). Also called: Cardiomyopathy, ARVC; Arrhythmogenic cardiomyopathy; Arrhythmogenic Right Ventricular Cardiomyopathy (ARVC); Arrhythmogenic right ventricular dysplasia. Identifiers: Orphanet 247, MedGen C0349788, MeSH D019571, MONDO:0016587. Disease mechanism: loss of function. Inheritance: Various modes of inheritance.
Arrhythmogenic right ventricular dysplasia 10. Also called: ARRHYTHMOGENIC RIGHT VENTRICULAR DYSPLASIA, FAMILIAL, 10; Arrhythmogenic Right Ventricular Dysplasia/Cardiomyopathy10; Arrhythmogenic right ventricular dysplasia/cardiomyopathy, type 10. Identifiers: MedGen C1857777, MONDO:0012434, OMIM 610193.

Allele frequency attached by ClinVar (database versions not stated): gnomAD exomes below 0.00001; ExAC 0.00001; gnomAD 0.00001.
gnomAD v4.1: 7 of 1,614,074 alleles (0.00043%); highest among the groups gnomAD compares: Admixed American, 0.005%; no homozygotes.

Submissions (2):

Labcorp Genetics (formerly Invitae), Labcorp
Classification: Likely benign for Arrhythmogenic right ventricular dysplasia 10. Last evaluated: 2025-07-16. Review status: criteria provided, single submitter. Criteria: Invitae Variant Classification Sherloc (09022015). Collection method: clinical testing. Allele origin: germline.

All of Us Research Program, National Institutes of Health
Classification: Likely benign for Arrhythmogenic right ventricular cardiomyopathy. Last evaluated: 2024-02-05. Review status: criteria provided, single submitter. Criteria: ACMG Guidelines, 2015. Collection method: clinical testing. Allele origin: germline. Inheritance: Autosomal dominant inheritance. Observed: 3 variant alleles, 3 heterozygotes.
Comment: This study involves interpretation of variants in research participants for the purpose of population health screening. Participant phenotype was not available at the time of variant classification. Additional details can be found in publication PMID: 35346344, PMCID: PMC8962531

NM_001943.5(DSG2):c.885G>T (p.Val295=)

Gene: DSG2 (desmoglein 2; plus strand). Cytogenetic location: 18q12.1.
Variant type: single nucleotide variant.
Coding change: c.885G>T on transcript NM_001943.5 (MANE Select); coding-DNA position 885, G replaced by T.
Protein change: p.Val295=; no amino-acid change (valine 295 retained).
Molecular consequence: synonymous variant.
Genome position (GRCh38, 1-based): chr18:31,524,759, G>T. VCF-style: chr18-31524759-G-T. GRCh37 (hg19) VCF-style: chr18-29104722-G-T.
Identifiers: ClinVar variation 2136687 (VCV002136687.5), dbSNP rs534674777, ClinGen allele CA050421.